The following is an entry in ClinVar:

NM_015030.2(FRYL):c.3669C>G (p.Ile1223Met)

Gene: FRYL (FRY like transcription coactivator; minus strand). Cytogenetic location: 4p11.
Variant type: single nucleotide variant.
Coding change: c.3669C>G on transcript NM_015030.2 (MANE Select); coding-DNA position 3669, C replaced by G.
Protein change: p.Ile1223Met; replaces isoleucine 1223 with methionine.
Molecular consequence: missense variant.
Genome position (GRCh38, 1-based): chr4:48,562,916, G>C on the plus strand (C>G on the coding strand, the complement: FRYL is on the minus strand). VCF-style: chr4-48562916-G-C. GRCh37 (hg19) VCF-style: chr4-48564933-G-C.
Other names: short protein forms I1223M.
Identifiers: ClinVar variation 4880987 (VCV004880987.2).

ClinVar aggregate classification (germline): Uncertain significance (1 of 4 stars; one submission).

Submission:

Dasa
Classification: Uncertain significance. Last evaluated: 2025-11-20. Review status: criteria provided, single submitter. Criteria: DASA Assertion Criteria. Collection method: clinical testing. Allele origin: germline.
Comment: NM_015030.2(FRYL):c.3669C>G (p.Ile1223Met) is a missense variant that results in the substitution of isoleucine with methionine. This variant is absent from population databases. The currently available literature and clinical evidence are not sufficient to establish a definitive association between this variant and the reported condition. Therefore, this variant is classified as a variant of uncertain significance.